The following is an entry in ClinVar:

NM_001042492.3(NF1):c.5872del (p.Arg1958fs)

Gene: NF1 (neurofibromin 1; plus strand). Cytogenetic location: 17q11.2.
Variant type: Deletion.
Coding change: c.5872del on transcript NM_001042492.3 (MANE Select); coding-DNA position 5872, one base deleted (C; older notation c.5872delC).
Protein change: p.Arg1958fs; shifts the reading frame from arginine 1958.
Molecular consequence: frameshift variant.
Genome position (GRCh38, 1-based): chr17:31,334,897, C deleted. VCF-style (leftmost placement, unchanged base first): chr17-31334896-TC-T. GRCh37 (hg19) VCF-style: chr17-29661914-TC-T.
Other names: c.5809delC, p.Arg1937Valfs (NM_000267.4); short protein forms R1937fs, R1958fs.
Identifiers: ClinVar variation 992410 (VCV000992410.6), dbSNP rs2069603045, ClinGen allele CA1139665396.

ClinVar aggregate classification (germline): Pathogenic/Likely pathogenic. Review status: criteria provided, multiple submitters, no conflicts (2 of 4 stars). 3 submissions from 3 submitters: Pathogenic (1); Likely pathogenic (1). 1 of the submissions does not count toward it. Last evaluated 2024-02-22.

Conditions:
Neurofibromatosis, type 1 (NF1). Also called: Neurofibromatosis, type I; VON RECKLINGHAUSEN DISEASE; NEUROFIBROMATOSIS, TYPE I, SOMATIC; Peripheral type neurofibromatosis. Identifiers: Orphanet 636, MedGen C0027831, MONDO:0018975, OMIM 162200. Disease mechanism: loss of function.

Submissions (3):

Labcorp Genetics (formerly Invitae), Labcorp
Classification: Pathogenic for Neurofibromatosis, type 1. Last evaluated: 2024-02-22. Review status: criteria provided, single submitter. Criteria: Invitae Variant Classification Sherloc (09022015). Collection method: clinical testing. Allele origin: germline.
Comment: This sequence change creates a premature translational stop signal (p.Arg1937Valfs*21) in the NF1 gene. It is expected to result in an absent or disrupted protein product. Loss-of-function variants in NF1 are known to be pathogenic (PMID: 10712197, 23913538). This variant is not present in population databases (gnomAD no frequency). This variant has not been reported in the literature in individuals affected with NF1-related conditions. ClinVar contains an entry for this variant (Variation ID: 992410). For these reasons, this variant has been classified as Pathogenic.

Institute for Genomic Medicine (IGM) Clinical Laboratory, Nationwide Children's Hospital
Classification: Likely pathogenic for Neurofibromatosis, type 1. Last evaluated: 2023-12-27. Review status: criteria provided, single submitter. Criteria: ACMG Guidelines, 2015. Collection method: clinical testing. Allele origin: germline.
Comment: This variant is predicted to result in loss of function through nonsense-mediated decay of the encoded transcript or premature truncation of the encoded protein in a gene in which loss of function is a known mechanism of disease (ACMG/AMP: PVS1; PMIDs:23913538, 10712197, 1302608). This variant is absent from or present at an exceedingly low frequency in gnomAD, a large-scale control population database (ACMG/AMP: PM2).

Bioscientia Institut fuer Medizinische Diagnostik GmbH, Sonic Healthcare
Classification: Pathogenic for Neurofibromatosis, type 1. Last evaluated: 2020-07-29. Review status: no assertion criteria provided. Collection method: clinical testing. Allele origin: germline. Affected: yes. Not counted in ClinVar's aggregate classification.

Literature cited by the submitters: PubMed 10712197 (cited by Labcorp Genetics (formerly Invitae), Labcorp and Institute for Genomic Medicine (IGM) Clinical Laboratory, Nationwide Children's Hospital); PubMed 23913538 (cited by Labcorp Genetics (formerly Invitae), Labcorp and Institute for Genomic Medicine (IGM) Clinical Laboratory, Nationwide Children's Hospital); PubMed 1302608 (cited by Institute for Genomic Medicine (IGM) Clinical Laboratory, Nationwide Children's Hospital).